The following is an entry in ClinVar:

ClinVar aggregate classification (germline): Pathogenic (1 of 4 stars; one submission).

Conditions:
Neuromuscular disease caused by qualitative or quantitative defects of dysferlin. Also called: Qualitative or quantitative defects of dysferlin; Dysferlinopathy. Identifiers: Orphanet 207073, MedGen C2931687, MONDO:0016145.

Submission:

Labcorp Genetics (formerly Invitae), Labcorp
Classification: Pathogenic for Neuromuscular disease caused by qualitative or quantitative defects of dysferlin. Last evaluated: 2020-04-20. Review status: criteria provided, single submitter. Criteria: Invitae Variant Classification Sherloc (09022015). Collection method: clinical testing. Allele origin: germline.
Comment: This sequence change affects a donor splice site in intron 20 of the DYSF gene. It is expected to disrupt RNA splicing and likely results in an absent or disrupted protein product. This variant is not present in population databases (ExAC no frequency). Disruption of this splice site has been observed in individual(s) with limb-girdle muscular dystrophy (PMID: 27647186). Algorithms developed to predict the effect of sequence changes on RNA splicing suggest that this variant may disrupt the consensus splice site, but this prediction has not been confirmed by published transcriptional studies. Donor and acceptor splice site variants typically lead to a loss of protein function (PMID: 16199547), and loss-of-function variants in DYSF are known to be pathogenic (PMID: 17698709, 20301480). For these reasons, this variant has been classified as Pathogenic.

Literature cited by the submitters: PubMed 27647186; PubMed 16199547; PubMed 17698709; PubMed 20301480.

NM_001130987.2(DYSF):c.1984+2T>C

Gene: DYSF (dysferlin; plus strand). Cytogenetic location: 2p13.2.
Variant type: single nucleotide variant.
Coding change: c.1984+2T>C on transcript NM_001130987.2 (MANE Select); the canonical splice donor site of the intron after coding-DNA position 1984, T replaced by C.
Molecular consequence: splice donor variant.
Genome position (GRCh38, 1-based): chr2:71,553,190, T>C. VCF-style: chr2-71553190-T-C. GRCh37 (hg19) VCF-style: chr2-71780320-T-C.
Other names: c.2023+2T>C (NM_001130979.2); c.1981+2T>C (NM_001130981.2, NM_001130980.2); c.1930+2T>C (NM_001130978.2, NM_003494.4); c.1888+2T>C (NM_001130977.2, NM_001130976.2); c.2026+2T>C (NM_001130982.2); c.1984+2T>C (NM_001130985.2); c.1933+2T>C (NM_001130983.2, NM_001130455.2); c.1891+2T>C (NM_001130984.2, NM_001130986.2).
Identifiers: ClinVar variation 1074366 (VCV001074366.9), dbSNP rs2152791033, ClinGen allele CA347218782.